The following is an entry in ClinVar:

NM_002693.3(POLG):c.2024T>C (p.Leu675Pro)

Gene: POLG (DNA polymerase gamma, catalytic subunit; minus strand). Cytogenetic location: 15q26.1.
Variant type: single nucleotide variant.
Coding change: c.2024T>C on transcript NM_002693.3 (MANE Select); coding-DNA position 2024, T replaced by C.
Protein change: p.Leu675Pro; replaces leucine 675 with proline.
Molecular consequence: missense variant.
Genome position (GRCh38, 1-based): chr15:89,324,153, A>G on the plus strand (T>C on the coding strand, the complement: POLG is on the minus strand). VCF-style: chr15-89324153-A-G. GRCh37 (hg19) VCF-style: chr15-89867384-A-G.
Other names: c.2024T>C, p.Leu675Pro (NM_001126131.2); short protein forms L675P.
Identifiers: ClinVar variation 3681200 (VCV003681200.3).
Genomic context (GRCh38, chr15:89,324,153, plus strand): 5'-GAGCCTGCCCTCACCGTTTGCCATATGGCACTATTGTCAGTGAGCAGGAACTCCTCCGCC[A>G]GGCCGGCCTCCTGGGGCATCAGCTGCTGCTTCCCCTGTTCGAGACAGTGCTTCCTGTACA-3'
Protein context (NP_002684.1, residues 665-685): KQQLMPQEAG[Leu675Pro]AEEFLLTDNS

ClinVar aggregate classification (germline): Uncertain significance. Review status: criteria provided, multiple submitters, no conflicts (2 of 4 stars). 2 submissions from 2 submitters: Uncertain significance (2). Last evaluated 2025-05-14.

Conditions:
Progressive sclerosing poliodystrophy (MTDPS4A). Also called: Alpers Syndrome; ALPERS DIFFUSE DEGENERATION OF CEREBRAL GRAY MATTER WITH HEPATIC CIRRHOSIS; Mitochondrial DNA depletion syndrome 4A (Alpers type); Alpers-Huttenlocher Syndrome (AHS); Alpers-Huttenlocher Syndrome; ALPERS PROGRESSIVE INFANTILE POLIODYSTROPHY. Identifiers: Orphanet 726, MedGen C0205710, MONDO:0008758, OMIM 203700.
POLG-related disorder. Also called: POLG-Related Spectrum Disorders; POLG-related condition; POLG-Related Disorders. Identifiers: MedGen C4763519.

gnomAD v4.1: 19 of 1,614,024 alleles (0.0012%); highest among the groups gnomAD compares: Non-Finnish European, 0.0016%; no homozygotes.

Submissions (2):

PreventionGenetics, part of Exact Sciences
Classification: Uncertain significance for POLG-related condition. Last evaluated: 2025-05-14. Review status: criteria provided, single submitter. Criteria: ACMG Guidelines, 2015. Collection method: clinical testing. Allele origin: germline.
Comment: The POLG c.2024T>C variant is predicted to result in the amino acid substitution p.Leu675Pro. To our knowledge, this variant has not been reported in the literature or in a large population database (gnomAD), indicating this variant is rare. At this time, the clinical significance of this variant is uncertain due to the absence of conclusive functional and genetic evidence.

Labcorp Genetics (formerly Invitae), Labcorp
Classification: Uncertain significance for Progressive sclerosing poliodystrophy. Last evaluated: 2024-07-11. Review status: criteria provided, single submitter. Criteria: Invitae Variant Classification Sherloc (09022015). Collection method: clinical testing. Allele origin: germline.
Comment: This sequence change replaces leucine, which is neutral and non-polar, with proline, which is neutral and non-polar, at codon 675 of the POLG protein (p.Leu675Pro). This variant is not present in population databases (gnomAD no frequency). This variant has not been reported in the literature in individuals affected with POLG-related conditions. Advanced modeling of protein sequence and biophysical properties (such as structural, functional, and spatial information, amino acid conservation, physicochemical variation, residue mobility, and thermodynamic stability) performed at Invitae indicates that this missense variant is not expected to disrupt POLG protein function with a negative predictive value of 95%. In summary, the available evidence is currently insufficient to determine the role of this variant in disease. Therefore, it has been classified as a Variant of Uncertain Significance.